The following is an entry in ClinVar:

ClinVar aggregate classification (germline): Uncertain significance. Review status: criteria provided, single submitter (1 of 4 stars). 2 submissions from 2 submitters: Uncertain significance (1). 1 of the submissions does not count toward it. Last evaluated 2022-01-20.

Conditions:
KIDINS220-related disorder. Also called: KIDINS220-related condition.

Allele frequency attached by ClinVar (database versions not stated): TOPMed 0.00002; gnomAD 0.00004; ExAC 0.00006.
gnomAD v4.1: 72 of 1,609,832 alleles (0.0045%); highest among the groups gnomAD compares: South Asian, 0.043%; 1 homozygote.

Submissions (2):

Labcorp Genetics (formerly Invitae), Labcorp
Classification: Uncertain significance. Last evaluated: 2022-01-20. Review status: criteria provided, single submitter. Criteria: Invitae Variant Classification Sherloc (09022015). Collection method: clinical testing. Allele origin: germline.
Comment: In summary, the available evidence is currently insufficient to determine the role of this variant in disease. Therefore, it has been classified as a Variant of Uncertain Significance. Algorithms developed to predict the effect of missense changes on protein structure and function (SIFT, PolyPhen-2, Align-GVGD) all suggest that this variant is likely to be disruptive. This variant has not been reported in the literature in individuals affected with KIDINS220-related conditions. This variant is present in population databases (rs756957698, gnomAD 0.02%). This sequence change replaces arginine, which is basic and polar, with glutamine, which is neutral and polar, at codon 179 of the KIDINS220 protein (p.Arg179Gln).

PreventionGenetics, part of Exact Sciences
Classification: Uncertain significance for KIDINS220-related condition. Last evaluated: 2024-04-05. Review status: no assertion criteria provided. Collection method: clinical testing. Allele origin: germline. Not counted in ClinVar's aggregate classification.
Comment: The KIDINS220 c.536G>A variant is predicted to result in the amino acid substitution p.Arg179Gln. To our knowledge, this variant has not been reported in the literature. This variant is reported in 0.020% of alleles in individuals of South Asian descent in gnomAD. At this time, the clinical significance of this variant is uncertain due to the absence of conclusive functional and genetic evidence.

NM_020738.4(KIDINS220):c.536G>A (p.Arg179Gln)

Gene: KIDINS220 (kinase D interacting substrate 220; minus strand). Cytogenetic location: 2p25.1.
Variant type: single nucleotide variant.
Coding change: c.536G>A on transcript NM_020738.4 (MANE Select); coding-DNA position 536, G replaced by A.
Protein change: p.Arg179Gln; replaces arginine 179 with glutamine.
Molecular consequence: missense variant. On other transcripts: non-coding transcript variant (2).
Genome position (GRCh38, 1-based): chr2:8,806,338, C>T on the plus strand (G>A on the coding strand, the complement: KIDINS220 is on the minus strand). VCF-style: chr2-8806338-C-T. GRCh37 (hg19) VCF-style: chr2-8946468-C-T.
Other names: c.539G>A, p.Arg180Gln (NM_001348729.2, NM_001348731.2, NM_001348734.2 and 3 more transcripts); c.536G>A, p.Arg179Gln (NM_001348732.2, NM_001348735.2, NM_001348738.2 and 3 more transcripts); c.410G>A, p.Arg137Gln (NM_001348736.2); c.536G>A (NM_020738.2); short protein forms R137Q, R180Q, R179Q.
Identifiers: ClinVar variation 1900260 (VCV001900260.6), dbSNP rs756957698, ClinGen allele CA1520399.
Genomic context (GRCh38, chr2:8,806,338, plus strand): 5'-TCTTGATCCACATCAGCTCCCATGGCCAATAAATGTTTCACACATTCCAAATGACCCTTT[C>T]GTGCAGCCCAAACTAAAGGGGTGGTTCCATACTATTAAAACAAACAATAAATTTAAAATT-3'
Protein context (NP_065789.1, residues 169-189): YGTTPLVWAA[Arg179Gln]KGHLECVKHL